The following is an entry in ClinVar:

ClinVar aggregate classification (germline): Benign (1 of 4 stars; one submission).

Conditions:
Retinoblastoma (RB1). Also called: RETINOBLASTOMA, SOMATIC. Identifiers: Orphanet 790, MedGen C0035335, MeSH D012175, MONDO:0008380, OMIM 180200, HP:0009919. Disease mechanism: loss of function. Inheritance: Both sporadic and heritable forms are tested..

Submission:

Myriad Genetics, Inc.
Classification: Benign for Retinoblastoma. Last evaluated: 2026-06-23. Review status: criteria provided, single submitter. Criteria: Myriad Autosomal Dominant, Autosomal Recessive and X-Linked Classification Criteria (2023). Collection method: clinical testing. Allele origin: unknown.
Comment: This variant is considered benign. This variant is a silent/synonymous amino acid change and it is not expected to impact splicing.

NM_000321.3(RB1):c.423T>C (p.Ser141=)

Gene: RB1 (RB transcriptional corepressor 1; plus strand). Cytogenetic location: 13q14.2.
Variant type: single nucleotide variant.
Coding change: c.423T>C on transcript NM_000321.3 (MANE Select); coding-DNA position 423, T replaced by C.
Protein change: p.Ser141=; no amino-acid change (serine 141 retained).
Molecular consequence: synonymous variant.
Genome position (GRCh38, 1-based): chr13:48,345,122, T>C. VCF-style: chr13-48345122-T-C. GRCh37 (hg19) VCF-style: chr13-48919258-T-C.
Other names: c.423T>C, p.Ser141= (NM_001407165.1, NM_001407166.1).
Identifiers: ClinVar variation 4876097 (VCV004876097.1).
Genomic context (GRCh38, chr13:48,345,122, plus strand): 5'-CTATTCTTTCCTTTGTAGTGTCCATAAATTCTTTAACTTACTAAAAGAAATTGATACCAG[T>C]ACCAAAGTTGATAATGCTATGTCAAGACTGTTGAAGAAGTATGATGTATTGTTTGCACTC-3'
Protein context (NP_000312.2, residues 131-151): FFNLLKEIDT[Ser141=]TKVDNAMSRL